The following is an entry in ClinVar:

ClinVar aggregate classification (germline): Benign/Likely benign. Review status: criteria provided, multiple submitters, no conflicts (2 of 4 stars). 6 submissions from 6 submitters: Benign (3); Likely benign (3). Last evaluated 2026-01-26.

Conditions:
Hereditary diffuse leukoencephalopathy with spheroids. Also called: LEUKOENCEPHALOPATHY, ADULT-ONSET, WITH AXONAL SPHEROIDS AND PIGMENTED GLIA. Identifiers: Orphanet 313808, MedGen C3711381, MONDO:0030796.

Allele frequency attached by ClinVar (database versions not stated): 1000 Genomes Project 30x 0.00094; 1000 Genomes Project 0.00100; ESP Exome Variant Server 0.00185; TOPMed 0.00209; ExAC 0.00234; gnomAD exomes 0.00263 and 0.00264; gnomAD 0.00314 and 0.00332.
gnomAD v4.1: 4,291 of 1,614,180 alleles (0.27%); highest among the groups gnomAD compares: Non-Finnish European, 0.28%; 11 homozygotes.

Submissions (6):

Labcorp Genetics (formerly Invitae), Labcorp
Classification: Benign. Last evaluated: 2026-01-26. Review status: criteria provided, single submitter. Criteria: Invitae Variant Classification Sherloc (09022015). Collection method: clinical testing. Allele origin: germline.

CeGaT Center for Human Genetics Tuebingen
Classification: Likely benign. Last evaluated: 2025-12-01. Review status: criteria provided, single submitter. Criteria: CeGaT Center For Human Genetics Tuebingen Variant Classification Criteria Version 2. Collection method: clinical testing. Allele origin: germline. Affected: yes. Observed: 14 variant alleles.
Comment: CSF1R: BP4, BS2

Mayo Clinic Laboratories, Mayo Clinic
Classification: Benign. Last evaluated: 2025-03-07. Review status: criteria provided, single submitter. Criteria: ACMG Guidelines, 2015. Collection method: clinical testing. Allele origin: germline. Observed: 6 variant alleles.
Comment: BS1, BS2, BP4_moderate

Blueprint Genetics
Classification: Likely benign. Last evaluated: 2024-11-24. Review status: criteria provided, single submitter. Criteria: ACMG Guidelines, 2015. Collection method: clinical testing. Allele origin: germline.

Illumina Laboratory Services, Illumina
Classification: Benign for Leukoencephalopathy, diffuse hereditary, with spheroids 1. Last evaluated: 2018-01-13. Review status: criteria provided, single submitter. Criteria: ICSL Variant Classification Criteria 13 December 2019. Collection method: clinical testing. Allele origin: germline.
Comment: This variant was observed in the ICSL laboratory as part of a predisposition screen in an ostensibly healthy population. It had not been previously curated by ICSL or reported in the Human Gene Mutation Database (HGMD: prior to June 1st, 2018), and was therefore a candidate for classification through an automated scoring system. Utilizing variant allele frequency, disease prevalence and penetrance estimates, and inheritance mode, an automated score was calculated to assess if this variant is too frequent to cause the disease. Based on the score and internal cut-off values, a variant classified as benign is not then subjected to further curation. The score for this variant resulted in a classification of benign for this disease.

Clinical Genetics DNA and cytogenetics Diagnostics Lab, Erasmus MC, Erasmus Medical Center
Classification: Likely benign for Leukoencephalopathy, diffuse hereditary, with spheroids 1. Last evaluated: 2016-01-06. Review status: criteria provided, single submitter. Criteria: ACGS Guidelines, 2013. Collection method: clinical testing. Allele origin: germline. Affected: yes. Study: VKGL Data-share Consensus.

Literature cited by the submitters: PubMed 29544907 (cited by Mayo Clinic Laboratories, Mayo Clinic).

NM_001288705.3(CSF1R):c.2760G>C (p.Glu920Asp)

Gene: CSF1R (colony stimulating factor 1 receptor; minus strand). Cytogenetic location: 5q32.
Variant type: single nucleotide variant.
Coding change: c.2760G>C on transcript NM_001288705.3 (MANE Select); coding-DNA position 2760, G replaced by C.
Protein change: p.Glu920Asp; replaces glutamic acid 920 with aspartic acid.
Molecular consequence: missense variant. On other transcripts: non-coding transcript variant (2).
Genome position (GRCh38, 1-based): chr5:150,054,325, C>G on the plus strand (G>C on the coding strand, the complement: CSF1R is on the minus strand). VCF-style: chr5-150054325-C-G. GRCh37 (hg19) VCF-style: chr5-149433888-C-G.
Other names: c.2760G>C, p.Glu920Asp (NM_001349736.2, NM_001375320.1, NM_005211.4); c.2316G>C, p.Glu772Asp (NM_001375321.1); short protein forms E920D, E772D.
Identifiers: ClinVar variation 352129 (VCV000352129.57), dbSNP rs34030164, ClinGen allele CA3506365.